The following is an entry in ClinVar:

NM_000059.4(BRCA2):c.9754T>C (p.Ser3252Pro)

Gene: BRCA2 (BRCA2 DNA repair associated; plus strand). Cytogenetic location: 13q13.1.
Variant type: single nucleotide variant.
Coding change: c.9754T>C on transcript NM_000059.4 (MANE Select); coding-DNA position 9754, T replaced by C.
Protein change: p.Ser3252Pro; replaces serine 3252 with proline.
Molecular consequence: missense variant.
Genome position (GRCh38, 1-based): chr13:32,398,267, T>C. VCF-style: chr13-32398267-T-C. GRCh37 (hg19) VCF-style: chr13-32972404-T-C.
Other names: short protein forms S3252P.
Identifiers: ClinVar variation 409560 (VCV000409560.11), dbSNP rs1060502467, ClinGen allele CA16613984.

ClinVar aggregate classification (germline): Uncertain significance. Review status: criteria provided, multiple submitters, no conflicts (2 of 4 stars). 2 submissions from 2 submitters: Uncertain significance (2). Last evaluated 2022-02-01.

Conditions:
Hereditary breast ovarian cancer syndrome. Also called: Hereditary breast and ovarian cancer; Hereditary breast and/or ovarian cancer syndrome; BRCA1- and BRCA2-Associated Hereditary Breast and Ovarian Cancer; Hereditary breast and ovarian cancer syndrome; Hereditary breast and ovarian cancer syndrome (HBOC); Breast and ovarian cancer. Identifiers: Orphanet 145, MedGen C0677776, MeSH D061325, MONDO:0003582. Disease mechanism: loss of function.
Hereditary cancer-predisposing syndrome. Also called: Tumor predisposition; Hereditary Cancer Syndrome; Hereditary neoplastic syndrome; Neoplastic Syndromes, Hereditary. Identifiers: Orphanet 140162, MedGen C0027672, MeSH D009386, MONDO:0015356.

Allele frequency attached by ClinVar (database versions not stated): gnomAD exomes below 0.00001.
gnomAD v4.1: 1 of 1,614,136 alleles (0.000062%); highest among the groups gnomAD compares: African/African-American, 0.0013%; no homozygotes.

Submissions (2):

Ambry Genetics
Classification: Uncertain significance for Hereditary cancer-predisposing syndrome. Last evaluated: 2022-02-01. Review status: criteria provided, single submitter. Criteria: Ambry Variant Classification Scheme 2023. Collection method: clinical testing. Allele origin: germline.
Comment: The p.S3252P variant (also known as c.9754T>C), located in coding exon 26 of the BRCA2 gene, results from a T to C substitution at nucleotide position 9754. The serine at codon 3252 is replaced by proline, an amino acid with similar properties. This amino acid position is well conserved in available vertebrate species. In addition, this alteration is predicted to be tolerated by in silico analysis. Since supporting evidence is limited at this time, the clinical significance of this alteration remains unclear.

Labcorp Genetics (formerly Invitae), Labcorp
Classification: Uncertain significance for Hereditary breast ovarian cancer syndrome. Last evaluated: 2021-12-09. Review status: criteria provided, single submitter. Criteria: Invitae Variant Classification Sherloc (09022015). Collection method: clinical testing. Allele origin: germline.
Comment: This sequence change replaces serine, which is neutral and polar, with proline, which is neutral and non-polar, at codon 3252 of the BRCA2 protein (p.Ser3252Pro). This variant is not present in population databases (gnomAD no frequency). This variant has not been reported in the literature in individuals affected with BRCA2-related conditions. ClinVar contains an entry for this variant (Variation ID: 409560). Advanced modeling of protein sequence and biophysical properties (such as structural, functional, and spatial information, amino acid conservation, physicochemical variation, residue mobility, and thermodynamic stability) performed at Invitae indicates that this missense variant is not expected to disrupt BRCA2 protein function. In summary, the available evidence is currently insufficient to determine the role of this variant in disease. Therefore, it has been classified as a Variant of Uncertain Significance.